The following is an entry in ClinVar:

NM_013275.6(ANKRD11):c.3623A>G (p.Lys1208Arg)

Gene: ANKRD11 (ankyrin repeat domain 11; minus strand). Cytogenetic location: 16q24.3.
Variant type: single nucleotide variant.
Coding change: c.3623A>G on transcript NM_013275.6 (MANE Select); coding-DNA position 3623, A replaced by G.
Protein change: p.Lys1208Arg; replaces lysine 1208 with arginine.
Molecular consequence: missense variant.
Genome position (GRCh38, 1-based): chr16:89,282,919, T>C on the plus strand (A>G on the coding strand, the complement: ANKRD11 is on the minus strand). VCF-style: chr16-89282919-T-C. GRCh37 (hg19) VCF-style: chr16-89349327-T-C.
Other names: c.3623A>G, p.Lys1208Arg (NM_001256182.2, NM_001256183.2); short protein forms K1208R.
Identifiers: ClinVar variation 2647081 (VCV002647081.24), dbSNP rs2544236619, ClinGen allele CA397159382.

ClinVar aggregate classification (germline): Uncertain significance (1 of 4 stars; one submission).

Submission:

CeGaT Center for Human Genetics Tuebingen
Classification: Uncertain significance. Last evaluated: 2023-03-01. Review status: criteria provided, single submitter. Criteria: CeGaT Center For Human Genetics Tuebingen Variant Classification Criteria Version 2. Collection method: clinical testing. Allele origin: germline. Affected: yes. Observed: 1 variant allele.
Comment: ANKRD11: PM2, BP4